The following is an entry in ClinVar:

NM_001204.7(BMPR2):c.2960C>T (p.Ser987Phe)

Gene: BMPR2 (bone morphogenetic protein receptor type 2; plus strand). Cytogenetic location: 2q33.2.
Variant type: single nucleotide variant.
Coding change: c.2960C>T on transcript NM_001204.7 (MANE Select); coding-DNA position 2960, C replaced by T.
Protein change: p.Ser987Phe; replaces serine 987 with phenylalanine.
Molecular consequence: missense variant.
Genome position (GRCh38, 1-based): chr2:202,559,789, C>T. VCF-style: chr2-202559789-C-T. GRCh37 (hg19) VCF-style: chr2-203424512-C-T.
Other names: short protein forms S987F.
Identifiers: ClinVar variation 896891 (VCV000896891.9), dbSNP rs150642992, ClinGen allele CA2061619.
Genomic context (GRCh38, chr2:202,559,789, plus strand): 5'-CAGGTGAAAAGATCAAGAAACGTGTGAAAACTCCCTATTCTCTTAAGCGGTGGCGCCCCT[C>T]CACCTGGGTCATCTCCACTGAATCGCTGGACTGTGAAGTCAACAATAATGGCAGTAACAG-3'
Protein context (NP_001195.2, residues 977-997): TPYSLKRWRP[Ser987Phe]TWVISTESLD

ClinVar aggregate classification (germline): Conflicting classifications of pathogenicity. Review status: criteria provided, conflicting classifications (1 of 4 stars). 3 submissions from 3 submitters: Uncertain significance (1); Likely benign (2). Last evaluated 2025-07-05.

Conditions:
Pulmonary hypertension, primary, 1 (PPH1). Also called: Pulmonary hypertension, familial primary, 1, with or without HHT. Identifiers: Orphanet 422, MedGen C4552070, MONDO:0024533, OMIM 178600.
Pulmonary venoocclusive disease 1 (PVOD1). Also called: Pulmonary venoocclusive disease 1, autosomal dominant. Identifiers: Orphanet 31837, MedGen C3887658, MONDO:0020713, OMIM 265450.
Primary pulmonary hypertension. Also called: Idiopathic pulmonary hypertension. Identifiers: MedGen C0152171.

Allele frequency attached by ClinVar (database versions not stated): gnomAD 0.00004; TOPMed 0.00004; gnomAD exomes 0.00009; ExAC 0.00012; ESP Exome Variant Server 0.00015; 1000 Genomes Project 30x 0.00016; 1000 Genomes Project 0.00020.
gnomAD v4.1: 143 of 1,614,064 alleles (0.0089%); highest among the groups gnomAD compares: Non-Finnish European, 0.011%; no homozygotes.

Submissions (3):

Labcorp Genetics (formerly Invitae), Labcorp
Classification: Likely benign for Primary pulmonary hypertension. Last evaluated: 2025-07-05. Review status: criteria provided, single submitter. Criteria: Invitae Variant Classification Sherloc (09022015). Collection method: clinical testing. Allele origin: germline.

Fulgent Genetics
Classification: Uncertain significance for Pulmonary hypertension, primary, 1; Pulmonary venoocclusive disease 1. Last evaluated: 2024-02-25. Review status: criteria provided, single submitter. Criteria: ACMG Guidelines, 2015. Collection method: clinical testing. Allele origin: germline.

Illumina Laboratory Services, Illumina
Classification: Likely benign for Pulmonary hypertension, primary, 1. Last evaluated: 2018-01-12. Review status: criteria provided, single submitter. Criteria: ICSL Variant Classification Criteria 13 December 2019. Collection method: clinical testing. Allele origin: germline.
Comment: This variant was observed in the ICSL laboratory as part of a predisposition screen in an ostensibly healthy population. It had not been previously curated by ICSL or reported in the Human Gene Mutation Database (HGMD: prior to June 1st, 2018), and was therefore a candidate for classification through an automated scoring system. Utilizing variant allele frequency, disease prevalence and penetrance estimates, and inheritance mode, an automated score was calculated to assess if this variant is too frequent to cause the disease. Based on the score and internal cut-off values, a variant classified as likely benign is not then subjected to further curation. The score for this variant resulted in a classification of likely benign for this disease.